The following is an entry in ClinVar:

ClinVar aggregate classification (germline): Uncertain significance (1 of 4 stars; one submission).

Conditions:
GNE-related disorder. Also called: GNE-related condition.

gnomAD v4.1: 27 of 152,166 alleles (0.018%); highest among the groups gnomAD compares: Admixed American, 0.026%; no homozygotes.

Submission:

PreventionGenetics, part of Exact Sciences
Classification: Uncertain significance for GNE-related condition. Last evaluated: 2025-12-30. Review status: criteria provided, single submitter. Criteria: ACMG Guidelines, 2015. Collection method: clinical testing. Allele origin: germline.
Comment: The GNE c.1164-359G>A variant is predicted to interfere with splicing. This variant is predicted to alter splicing based on available splicing prediction programs (SpliceAI, Jaganathan et al. 2019. PubMed ID: 30661751). To our knowledge, this variant has not been reported in the literature. This variant is reported in 0.69% (2/290) of alleles in individuals of Ashkenazi Jewish descent in gnomAD. Of note, this variant is only covered in gnomAD genome data and observed in 3 of 31238 total alleles, indicating it is rare. At this time, the clinical significance of this variant is uncertain due to the absence of conclusive functional and genetic evidence.

NM_005476.7(GNE):c.1071-359G>A

Gene: GNE (glucosamine (UDP-N-acetyl)-2-epimerase/N-acetylmannosamine kinase; minus strand). Cytogenetic location: 9p13.3.
Variant type: single nucleotide variant.
Coding change: c.1071-359G>A on transcript NM_005476.7 (MANE Select); 359 bases into the intron before coding-DNA position 1071, G replaced by A.
Molecular consequence: intron variant.
Genome position (GRCh38, 1-based): chr9:36,227,817, C>T on the plus strand (G>A on the coding strand, the complement: GNE is on the minus strand). VCF-style: chr9-36227817-C-T. GRCh37 (hg19) VCF-style: chr9-36227814-C-T.
Other names: c.894-359G>A (NM_001190388.2, NM_001374798.1); c.1164-359G>A (NM_001128227.3); c.741-359G>A (NM_001190384.3); c.918-359G>A (NM_001374797.1); c.1071-359G>A (NM_001190383.3).
Identifiers: ClinVar variation 4993826 (VCV004993826.1).